The following is an entry in ClinVar:

NM_001018115.3(FANCD2):c.3639C>G (p.Asn1213Lys)

Genes: FANCD2 (FA complementation group D2; plus strand), FANCD2OS (FANCD2 opposite strand; minus strand). Cytogenetic location: 3p25.3.
Variant type: single nucleotide variant.
Coding change: c.3639C>G on transcript NM_001018115.3 (MANE Select); coding-DNA position 3639, C replaced by G.
Protein change: p.Asn1213Lys; replaces asparagine 1213 with lysine.
Molecular consequence: missense variant. On other transcripts: intron variant (1).
Genome position (GRCh38, 1-based): chr3:10,088,906, C>G. VCF-style: chr3-10088906-C-G. GRCh37 (hg19) VCF-style: chr3-10130590-C-G.
Other names: c.3639C>G, p.Asn1213Lys (NM_001319984.2, NM_001374254.1, NM_033084.6); c.3528C>G, p.Asn1176Lys (NM_001374253.1); c.*44-7375G>C (NM_173472.2); short protein forms N1176K, N1213K.
Identifiers: ClinVar variation 1001819 (VCV001001819.10), dbSNP rs780098296, ClinGen allele CA2250464.

ClinVar aggregate classification (germline): Uncertain significance. Review status: criteria provided, multiple submitters, no conflicts (2 of 4 stars). 2 submissions from 2 submitters: Uncertain significance (2). Last evaluated 2024-01-04.

Conditions:
Fanconi anemia (FA). Also called: Fanconi's anemia. Identifiers: Orphanet 84, MedGen C0015625, MeSH D005199, MONDO:0019391.
Inborn genetic diseases. Identifiers: MedGen C0950123, MeSH D030342.

Allele frequency attached by ClinVar (database versions not stated): gnomAD exomes below 0.00001 and 0.00001; ExAC 0.00002.
gnomAD v4.1: 3 of 1,614,064 alleles (0.00019%); highest among the groups gnomAD compares: South Asian, 0.0033%; no homozygotes.

Submissions (2):

Ambry Genetics
Classification: Uncertain significance for Inborn genetic diseases. Last evaluated: 2024-01-04. Review status: criteria provided, single submitter. Criteria: Ambry Variant Classification Scheme 2023. Collection method: clinical testing. Allele origin: germline.

Labcorp Genetics (formerly Invitae), Labcorp
Classification: Uncertain significance for Fanconi anemia. Last evaluated: 2023-05-01. Review status: criteria provided, single submitter. Criteria: Invitae Variant Classification Sherloc (09022015). Collection method: clinical testing. Allele origin: germline.
Comment: This variant has not been reported in the literature in individuals affected with FANCD2-related conditions. In summary, the available evidence is currently insufficient to determine the role of this variant in disease. Therefore, it has been classified as a Variant of Uncertain Significance. Advanced modeling of protein sequence and biophysical properties (such as structural, functional, and spatial information, amino acid conservation, physicochemical variation, residue mobility, and thermodynamic stability) performed at Invitae indicates that this missense variant is not expected to disrupt FANCD2 protein function. ClinVar contains an entry for this variant (Variation ID: 1001819). This variant is present in population databases (rs780098296, gnomAD 0.006%). This sequence change replaces asparagine, which is neutral and polar, with lysine, which is basic and polar, at codon 1213 of the FANCD2 protein (p.Asn1213Lys).